The following is an entry in ClinVar:

NM_001170629.2(CHD8):c.4159C>G (p.Leu1387Val)

Gene: CHD8 (chromodomain helicase DNA binding protein 8; minus strand). Cytogenetic location: 14q11.2.
Variant type: single nucleotide variant.
Coding change: c.4159C>G on transcript NM_001170629.2 (MANE Select); coding-DNA position 4159, C replaced by G.
Protein change: p.Leu1387Val; replaces leucine 1387 with valine.
Molecular consequence: missense variant.
Genome position (GRCh38, 1-based): chr14:21,401,417, G>C on the plus strand (C>G on the coding strand, the complement: CHD8 is on the minus strand). VCF-style: chr14-21401417-G-C. GRCh37 (hg19) VCF-style: chr14-21869576-G-C.
Other names: c.3322C>G, p.Leu1108Val (NM_020920.4); c.4159C>G (NM_001170629.1); short protein forms L1108V, L1387V.
Identifiers: ClinVar variation 3068947 (VCV003068947.3), dbSNP rs1263104000, ClinGen allele CA388896082.
Genomic context (GRCh38, chr14:21,401,417, plus strand): 5'-TAGTGTGGTCTTCTGCGATACTTCCTCCCTAAAAGAAGAAACTCACCTTGCTGTTGAGCA[G>C]ATCCATGTCTAGGTCAGCCTTTTTGGCCCACTTTTGCCAAAAGTTGGGGTCATCCAAAGA-3'
Protein context (NP_001164100.1, residues 1377-1397): WAKKADLDMD[Leu1387Val]LNSKNNLVID

ClinVar aggregate classification (germline): Uncertain significance. Review status: criteria provided, multiple submitters, no conflicts (2 of 4 stars). 2 submissions from 2 submitters: Uncertain significance (2). Last evaluated 2025-01-08.

Conditions:
Inborn genetic diseases. Identifiers: MedGen C0950123, MeSH D030342.

Allele frequency attached by ClinVar (database versions not stated): TOPMed below 0.00001; gnomAD 0.00001.
gnomAD v4.1: 2 of 1,591,842 alleles (0.00013%); highest among the groups gnomAD compares: African/African-American, 0.0027%; no homozygotes.

Submissions (2):

Ambry Genetics
Classification: Uncertain significance for Inborn genetic diseases. Last evaluated: 2025-01-08. Review status: criteria provided, single submitter. Criteria: Ambry Variant Classification Scheme 2023. Collection method: clinical testing. Allele origin: germline.

Women's Health and Genetics/Laboratory Corporation of America, LabCorp
Classification: Uncertain significance. Last evaluated: 2024-02-09. Review status: criteria provided, single submitter. Criteria: LabCorp Variant Classification Summary - May 2015. Collection method: clinical testing. Allele origin: germline.
Comment: Variant summary: CHD8 c.4159C>G (p.Leu1387Val) results in a conservative amino acid change in the encoded protein sequence. Four of five in-silico tools predict a benign effect of the variant on protein function. The variant allele was found at a frequency of 1.3e-05 in 152154 control chromosomes (gnomAD database v4.0.0). The available data on variant occurrences in the general population are insufficient to allow any conclusion about variant significance. To our knowledge, no occurrence of c.4159C>G in individuals affected with CHD8-Related Disorders and no experimental evidence demonstrating its impact on protein function have been reported. No submitters have cited clinical-significance assessments for this variant to ClinVar. Based on the evidence outlined above, the variant was classified as uncertain significance.